The following is an entry in ClinVar:

NM_015178.3(RHOBTB2):c.1756C>T (p.Leu586=)

Gene: RHOBTB2 (Rho related BTB domain containing 2; plus strand). Cytogenetic location: 8p21.3.
Variant type: single nucleotide variant.
Coding change: c.1756C>T on transcript NM_015178.3 (MANE Select); coding-DNA position 1756, C replaced by T.
Protein change: p.Leu586=; no amino-acid change (leucine 586 retained).
Molecular consequence: synonymous variant.
Genome position (GRCh38, 1-based): chr8:23,010,673, C>T. VCF-style: chr8-23010673-C-T. GRCh37 (hg19) VCF-style: chr8-22868186-C-T.
Other names: c.1822C>T, p.Leu608= (NM_001160036.2); c.1777C>T, p.Leu593= (NM_001160037.2); c.1756C>T, p.Leu586= (NM_001374791.1).
Identifiers: ClinVar variation 4873127 (VCV004873127.2).
Genomic context (GRCh38, chr8:23,010,673, plus strand): 5'-AGCCCCGACCTGGATGACATGAAGCTCATCATTCTAGCCAACCGCCTCTGCCTGCCACAC[C>T]TGGTTGCCCTCACAGGTAACTAAGCAGTGCACTCGGGGACCTCCCCGCGGCAGAGGCCAG-3'
Protein context (NP_055993.2, residues 576-596): ILANRLCLPH[Leu586=]VALTEQYTVT

ClinVar aggregate classification (germline): Likely benign (1 of 4 stars; one submission).

Submission:

CeGaT Center for Human Genetics Tuebingen
Classification: Likely benign. Last evaluated: 2026-05-01. Review status: criteria provided, single submitter. Criteria: CeGaT Center For Human Genetics Tuebingen Variant Classification Criteria Version 2. Collection method: clinical testing. Allele origin: germline. Affected: yes. Observed: 1 variant allele.
Comment: RHOBTB2: PM2:Supporting, BP4, BP7